The following is an entry in ClinVar:

ClinVar aggregate classification (germline): Conflicting classifications of pathogenicity. Review status: criteria provided, conflicting classifications (1 of 4 stars). 2 submissions from 2 submitters: Uncertain significance (1); Likely benign (1). Last evaluated 2023-05-31.

Conditions:
Inborn genetic diseases. Identifiers: MedGen C0950123, MeSH D030342.

Allele frequency attached by ClinVar (database versions not stated): gnomAD 0.00005; TOPMed 0.00005; ExAC 0.00006.
gnomAD v4.1: 78 of 1,612,410 alleles (0.0048%); highest among the groups gnomAD compares: Non-Finnish European, 0.0063%; no homozygotes.

Submissions (2):

Ambry Genetics
Classification: Likely benign for Inborn genetic diseases. Last evaluated: 2023-05-31. Review status: criteria provided, single submitter. Criteria: Ambry Variant Classification Scheme 2023. Collection method: clinical testing. Allele origin: germline.

Labcorp Genetics (formerly Invitae), Labcorp
Classification: Uncertain significance. Last evaluated: 2022-07-15. Review status: criteria provided, single submitter. Criteria: Invitae Variant Classification Sherloc (09022015). Collection method: clinical testing. Allele origin: germline.
Comment: This sequence change replaces alanine, which is neutral and non-polar, with threonine, which is neutral and polar, at codon 165 of the REEP6 protein (p.Ala165Thr). This variant is present in population databases (rs201091937, gnomAD 0.009%). This variant has not been reported in the literature in individuals affected with REEP6-related conditions. Algorithms developed to predict the effect of missense changes on protein structure and function output the following: SIFT: "Not Available"; PolyPhen-2: "Not Available"; Align-GVGD: "Not Available". The threonine amino acid residue is found in multiple mammalian species, which suggests that this missense change does not adversely affect protein function. In summary, the available evidence is currently insufficient to determine the role of this variant in disease. Therefore, it has been classified as a Variant of Uncertain Significance.

NM_138393.4(REEP6):c.493G>A (p.Ala165Thr)

Gene: REEP6 (receptor accessory protein 6; plus strand). Cytogenetic location: 19p13.3.
Variant type: single nucleotide variant.
Coding change: c.493G>A on transcript NM_138393.4 (MANE Select); coding-DNA position 493, G replaced by A.
Protein change: p.Ala165Thr; replaces alanine 165 with threonine.
Molecular consequence: missense variant.
Genome position (GRCh38, 1-based): chr19:1,496,429, G>A. VCF-style: chr19-1496429-G-A. GRCh37 (hg19) VCF-style: chr19-1496428-G-A.
Other names: c.493G>A, p.Ala165Thr (NM_001329556.3); c.493G>A (NM_138393.1); short protein forms A165T.
Identifiers: ClinVar variation 1910218 (VCV001910218.4), dbSNP rs201091937, ClinGen allele CA9047592.